The following is an entry in ClinVar:

ClinVar aggregate classification (germline): Conflicting classifications of pathogenicity. Review status: criteria provided, conflicting classifications (1 of 4 stars). 2 submissions from 2 submitters: Uncertain significance (1); Likely benign (1). Last evaluated 2024-02-09.

Conditions:
Hereditary cancer-predisposing syndrome. Also called: Neoplastic Syndromes, Hereditary; Hereditary Cancer Syndrome; Hereditary neoplastic syndrome; Tumor predisposition. Identifiers: Orphanet 140162, MedGen C0027672, MeSH D009386, MONDO:0015356.
Familial cancer of breast. Also called: Hereditary breast cancer; hereditary breast carcinoma; BREAST CANCER, FAMILIAL. Identifiers: Orphanet 227535, MedGen C0346153, MONDO:0016419, OMIM 114480. Disease mechanism: loss of function.

Submissions (2):

MGZ Medical Genetics Center
Classification: Likely benign for Familial cancer of breast. Last evaluated: 2024-02-09. Review status: criteria provided, single submitter. Criteria: CSpec BRCA1/2ACMG Rules Specifications V1.1.0. Collection method: clinical testing. Allele origin: germline. Affected: yes.
Comment: ACMG codes applied following ENIGMA VCEP rules: BP1_STR, PM2_SUP

Ambry Genetics
Classification: Uncertain significance for Hereditary cancer-predisposing syndrome. Last evaluated: 2023-06-11. Review status: criteria provided, single submitter. Criteria: Ambry Variant Classification Scheme 2023. Collection method: clinical testing. Allele origin: germline.
Comment: The p.D693E variant (also known as c.2079C>G), located in coding exon 9 of the BRCA1 gene, results from a C to G substitution at nucleotide position 2079. The aspartic acid at codon 693 is replaced by glutamic acid, an amino acid with highly similar properties. This amino acid position is conserved. In addition, this alteration is predicted to be tolerated by in silico analysis. Since supporting evidence is limited at this time, the clinical significance of this alteration remains unclear.

NM_007294.4(BRCA1):c.2079C>G (p.Asp693Glu)

Gene: BRCA1 (BRCA1 DNA repair associated; minus strand). Cytogenetic location: 17q21.31.
Variant type: single nucleotide variant.
Coding change: c.2079C>G on transcript NM_007294.4 (MANE Select); coding-DNA position 2079, C replaced by G.
Protein change: p.Asp693Glu; replaces aspartic acid 693 with glutamic acid.
Molecular consequence: missense variant. On other transcripts: intron variant (137).
Genome position (GRCh38, 1-based): chr17:43,093,452, G>C on the plus strand (C>G on the coding strand, the complement: BRCA1 is on the minus strand). VCF-style: chr17-43093452-G-C. GRCh37 (hg19) VCF-style: chr17-41245469-G-C.
Other names: c.2076C>G, p.Asp692Glu (NM_001407610.1, NM_001407615.1, NM_001407613.1 and 22 more transcripts); c.2079C>G, p.Asp693Glu (NM_001407616.1, NM_001407581.1, NM_001407582.1 and 30 more transcripts); c.1866C>G, p.Asp622Glu (NM_001407571.1, NM_001407853.1, NM_001407894.1 and 9 more transcripts); c.2070C>G, p.Asp690Glu (NM_001407646.1, NM_001407647.1); c.1956C>G, p.Asp652Glu (NM_001407648.1, NM_001407664.1, NM_001407665.1 and 19 more transcripts); c.1953C>G, p.Asp651Glu (NM_001407649.1, NM_001407670.1, NM_001407671.1 and 11 more transcripts); c.2001C>G, p.Asp667Glu (NM_001407653.1, NM_001407654.1, NM_001407655.1 and 4 more transcripts); c.1998C>G, p.Asp666Glu (NM_001407659.1, NM_001407660.1, NM_001407661.1 and 1 more transcripts); and 40 more; short protein forms D565E, D581E, D646E, D652E, D666E, D622E, D625E, D626E.
Identifiers: ClinVar variation 2565368 (VCV002565368.3), dbSNP rs80356835, ClinGen allele CA10597844.